The following is an entry in ClinVar:

ClinVar aggregate classification (germline): Uncertain significance (1 of 4 stars; one submission).

Conditions:
Bethlem myopathy 2 (BTHLM2). Identifiers: Orphanet 536516, Orphanet 610, MedGen C4225313, MONDO:0034022, OMIM 616471.
Ullrich congenital muscular dystrophy 2 (UCMD2). Identifiers: Orphanet 75840, MedGen C4225314, MONDO:0014654, OMIM 616470.

gnomAD v4.1: 30 of 1,551,932 alleles (0.0019%); highest among the groups gnomAD compares: Non-Finnish European, 0.0026%; no homozygotes.

Submission:

Labcorp Genetics (formerly Invitae), Labcorp
Classification: Uncertain significance for Bethlem myopathy 2; Ullrich congenital muscular dystrophy 2. Last evaluated: 2025-10-18. Review status: criteria provided, single submitter. Criteria: Invitae Variant Classification Sherloc (09022015). Collection method: clinical testing. Allele origin: germline.
Comment: This sequence change replaces leucine, which is neutral and non-polar, with phenylalanine, which is neutral and non-polar, at codon 17 of the COL12A1 protein (p.Leu17Phe). This variant is present in population databases (no rsID available, gnomAD 0.005%). This variant has not been reported in the literature in individuals affected with COL12A1-related conditions. An algorithm developed to predict the effect of missense changes on protein structure and function outputs the following: PolyPhen-2: "Benign". The phenylalanine amino acid residue is found in multiple mammalian species, which suggests that this missense change does not adversely affect protein function. In summary, the available evidence is currently insufficient to determine the role of this variant in disease. Therefore, it has been classified as a Variant of Uncertain Significance.

NM_004370.6(COL12A1):c.49C>T (p.Leu17Phe)

Gene: COL12A1 (collagen type XII alpha 1 chain; minus strand). Cytogenetic location: 6q14.1.
Variant type: single nucleotide variant.
Coding change: c.49C>T on transcript NM_004370.6 (MANE Select); coding-DNA position 49, C replaced by T.
Protein change: p.Leu17Phe; replaces leucine 17 with phenylalanine.
Molecular consequence: missense variant.
Genome position (GRCh38, 1-based): chr6:75,202,744, G>A on the plus strand (C>T on the coding strand, the complement: COL12A1 is on the minus strand). VCF-style: chr6-75202744-G-A. GRCh37 (hg19) VCF-style: chr6-75912460-G-A.
Other names: c.49C>T, p.Leu17Phe (NM_001424113.1, NM_001424114.1, NM_001424115.1 and 2 more transcripts); short protein forms L17F.
Identifiers: ClinVar variation 4790653 (VCV004790653.1).